The following is an entry in ClinVar:

ClinVar aggregate classification (germline): Likely benign. Review status: criteria provided, multiple submitters, no conflicts (2 of 4 stars). 3 submissions from 3 submitters: Likely benign (3). Last evaluated 2026-06-01.

Conditions:
Primary ciliary dyskinesia. Also called: Ciliary dyskinesia. Identifiers: Orphanet 244, MedGen C0008780, MONDO:0016575, HP:0012265.

Allele frequency attached by ClinVar (database versions not stated): ExAC 0.00002; gnomAD exomes 0.00005; ESP Exome Variant Server 0.00008; 1000 Genomes Project 0.00080; 1000 Genomes Project 30x 0.00094.
gnomAD v4.1: 79 of 1,613,622 alleles (0.0049%); highest among the groups gnomAD compares: Admixed American, 0.033%; 1 homozygote.

Submissions (3):

CeGaT Center for Human Genetics Tuebingen
Classification: Likely benign. Last evaluated: 2026-06-01. Review status: criteria provided, single submitter. Criteria: CeGaT Center For Human Genetics Tuebingen Variant Classification Criteria Version 2. Collection method: clinical testing. Allele origin: germline. Affected: yes. Observed: 1 variant allele.
Comment: DNAAF1: BP4, BP7

Labcorp Genetics (formerly Invitae), Labcorp
Classification: Likely benign for Primary ciliary dyskinesia. Last evaluated: 2026-02-01. Review status: criteria provided, single submitter. Criteria: Invitae Variant Classification Sherloc (09022015). Collection method: clinical testing. Allele origin: germline.

Ambry Genetics
Classification: Likely benign for Primary ciliary dyskinesia. Last evaluated: 2023-03-13. Review status: criteria provided, single submitter. Criteria: Ambry Variant Classification Scheme 2023. Collection method: clinical testing. Allele origin: germline.

NM_178452.6(DNAAF1):c.873G>A (p.Ala291=)

Gene: DNAAF1 (dynein axonemal assembly factor 1; plus strand). Cytogenetic location: 16q24.1.
Variant type: single nucleotide variant.
Coding change: c.873G>A on transcript NM_178452.6 (MANE Select); coding-DNA position 873, G replaced by A.
Protein change: p.Ala291=; no amino-acid change (alanine 291 retained).
Molecular consequence: synonymous variant.
Genome position (GRCh38, 1-based): chr16:84,165,792, G>A. VCF-style: chr16-84165792-G-A. GRCh37 (hg19) VCF-style: chr16-84199398-G-A.
Other names: c.117G>A, p.Ala39= (NM_001318756.1).
Identifiers: ClinVar variation 2202185 (VCV002202185.8), dbSNP rs149704838, ClinGen allele CA8202656.